The following is an entry in ClinVar:

ClinVar aggregate classification (germline): Benign (1 of 4 stars; one submission).

Conditions:
Peroxisome biogenesis disorder 5A (Zellweger) (PBD5A). Identifiers: Orphanet 912, MedGen C3553940, MONDO:0013932, OMIM 614866.

Allele frequency attached by ClinVar (database versions not stated): gnomAD 0.03448 and 0.03710; 1000 Genomes Project 0.03894; TOPMed 0.03938; 1000 Genomes Project 30x 0.04201.

Submission:

Illumina Laboratory Services, Illumina
Classification: Benign for Peroxisome biogenesis disorder 5A (Zellweger). Last evaluated: 2018-01-13. Review status: criteria provided, single submitter. Criteria: ICSL Variant Classification Criteria 13 December 2019. Collection method: clinical testing. Allele origin: germline.
Comment: This variant was observed in the ICSL laboratory as part of a predisposition screen in an ostensibly healthy population. It had not been previously curated by ICSL or reported in the Human Gene Mutation Database (HGMD: prior to June 1st, 2018), and was therefore a candidate for classification through an automated scoring system. Utilizing variant allele frequency, disease prevalence and penetrance estimates, and inheritance mode, an automated score was calculated to assess if this variant is too frequent to cause the disease. Based on the score and internal cut-off values, a variant classified as benign is not then subjected to further curation. The score for this variant resulted in a classification of benign for this disease.

NM_000318.3(PEX2):c.*2446C>T

Gene: PEX2 (peroxisomal biogenesis factor 2; minus strand). Cytogenetic location: 8q21.13.
Variant type: single nucleotide variant.
Coding change: c.*2446C>T on transcript NM_000318.3 (MANE Select); 2446 bases downstream of the stop codon, C replaced by T.
Molecular consequence: 3 prime UTR variant.
Genome position (GRCh38, 1-based): chr8:76,980,815, G>A on the plus strand (C>T on the coding strand, the complement: PEX2 is on the minus strand). VCF-style: chr8-76980815-G-A. GRCh37 (hg19) VCF-style: chr8-77893051-G-A.
Other names: c.*2446C>T (NM_001079867.2, NM_001172086.2, NM_001172087.2).
Identifiers: ClinVar variation 363775 (VCV000363775.5), dbSNP rs73242165, ClinGen allele CA10631561.